The following is an entry in ClinVar:

ClinVar aggregate classification (germline): Uncertain significance (1 of 4 stars; one submission).

Conditions:
Parkinsonian-pyramidal syndrome. Also called: PARKINSON DISEASE 15, AUTOSOMAL RECESSIVE; PARKINSON DISEASE 15, AUTOSOMAL RECESSIVE EARLY-ONSET; PALLIDOPYRAMIDAL SYNDROME. Identifiers: Orphanet 171695, MedGen C1850100, MONDO:0009830, OMIM 260300.

Submission:

Labcorp Genetics (formerly Invitae), Labcorp
Classification: Uncertain significance for Parkinsonian-pyramidal syndrome. Last evaluated: 2025-07-28. Review status: criteria provided, single submitter. Criteria: Invitae Variant Classification Sherloc (09022015). Collection method: clinical testing. Allele origin: germline.
Comment: This sequence change replaces leucine, which is neutral and non-polar, with arginine, which is basic and polar, at codon 222 of the FBXO7 protein (p.Leu222Arg). This variant is present in population databases (no rsID available, gnomAD 0.0009%). This variant has not been reported in the literature in individuals affected with FBXO7-related conditions. ClinVar contains an entry for this variant (Variation ID: 1948093). Invitae Evidence Modeling of protein sequence and biophysical properties (such as structural, functional, and spatial information, amino acid conservation, physicochemical variation, residue mobility, and thermodynamic stability) indicates that this missense variant is not expected to disrupt FBXO7 protein function with a negative predictive value of 80%. In summary, the available evidence is currently insufficient to determine the role of this variant in disease. Therefore, it has been classified as a Variant of Uncertain Significance.

NM_012179.4(FBXO7):c.665T>G (p.Leu222Arg)

Gene: FBXO7 (F-box protein 7; plus strand). Cytogenetic location: 22q12.3.
Variant type: single nucleotide variant.
Coding change: c.665T>G on transcript NM_012179.4 (MANE Select); coding-DNA position 665, T replaced by G.
Protein change: p.Leu222Arg; replaces leucine 222 with arginine.
Molecular consequence: missense variant.
Genome position (GRCh38, 1-based): chr22:32,485,087, T>G. VCF-style: chr22-32485087-T-G. GRCh37 (hg19) VCF-style: chr22-32881074-T-G.
Other names: c.428T>G, p.Leu143Arg (NM_001033024.2); c.323T>G, p.Leu108Arg (NM_001257990.2); short protein forms L143R, L108R, L222R.
Identifiers: ClinVar variation 1948093 (VCV001948093.5), dbSNP rs1267712209, ClinGen allele CA411332112.